The following is an entry in ClinVar:

ClinVar aggregate classification (germline): Uncertain significance. Review status: criteria provided, multiple submitters, no conflicts (2 of 4 stars). 2 submissions from 2 submitters: Uncertain significance (2). Last evaluated 2025-08-26.

Conditions:
Familial thoracic aortic aneurysm and aortic dissection (TAAD). Also called: Thoracic aortic aneurysms and dissections. Identifiers: Orphanet 91387, MedGen C4707243, MONDO:0019625.

gnomAD v4.1: 1 of 1,613,908 alleles (0.000062%); highest among the groups gnomAD compares: Non-Finnish European, 0.000085%; no homozygotes.

Submissions (2):

Color Diagnostics, LLC DBA Color Health
Classification: Uncertain significance for Familial thoracic aortic aneurysm and aortic dissection. Last evaluated: 2025-08-26. Review status: criteria provided, single submitter. Criteria: ACMG Guidelines, 2015. Collection method: clinical testing. Allele origin: germline.
Comment: This variant causes a T to A nucleotide substitution at the -5 position of intron 8 of the SMAD3 gene. To our knowledge, functional studies have not been reported for this variant. This variant has not been reported in individuals affected with SMAD3-related disorders in the literature. This variant has not been identified in the general population by the Genome Aggregation Database (gnomAD). The available evidence is insufficient to determine the role of this variant in disease conclusively. Therefore, this variant is classified as a Variant of Uncertain Significance.

GeneDx
Classification: Uncertain significance. Last evaluated: 2025-08-01. Review status: criteria provided, single submitter. Criteria: GeneDx Variant Classification Process June 2021. Collection method: clinical testing. Allele origin: germline. Affected: yes.
Comment: Not observed at significant frequency in large population cohorts (gnomAD); Has not been previously published as pathogenic or benign to our knowledge; In silico analysis is inconclusive as to whether the variant alters gene splicing. In the absence of RNA/functional studies, the actual effect of this sequence change is unknown.

NM_005902.4(SMAD3):c.1155-5T>A

Gene: SMAD3 (SMAD family member 3; plus strand). Cytogenetic location: 15q22.33.
Variant type: single nucleotide variant.
Coding change: c.1155-5T>A on transcript NM_005902.4 (MANE Select); 5 bases into the intron before coding-DNA position 1155, T replaced by A.
Molecular consequence: intron variant.
Genome position (GRCh38, 1-based): chr15:67,190,408, T>A. VCF-style: chr15-67190408-T-A. GRCh37 (hg19) VCF-style: chr15-67482746-T-A.
Other names: c.1266-5T>A (NM_001407011.1); c.1017-5T>A (NM_001407013.1); c.1023-5T>A (NM_001407012.1, NM_001145103.2); c.1008-5T>A (NM_001407014.1); c.840-5T>A (NM_001145102.2, NM_001407016.1); c.708-5T>A (NM_001407015.1); c.570-5T>A (NM_001145104.2, NM_001407017.1).
Identifiers: ClinVar variation 4690163 (VCV004690163.2).